The following is an entry in ClinVar:

NM_001012720.2(RGR):c.277T>C (p.Phe93Leu)

Gene: RGR (retinal G protein coupled receptor; plus strand). Cytogenetic location: 10q23.1.
Variant type: single nucleotide variant.
Coding change: c.277T>C on transcript NM_001012720.2 (MANE Select); coding-DNA position 277, T replaced by C.
Protein change: p.Phe93Leu; replaces phenylalanine 93 with leucine.
Molecular consequence: missense variant.
Genome position (GRCh38, 1-based): chr10:84,248,962, T>C. VCF-style: chr10-84248962-T-C. GRCh37 (hg19) VCF-style: chr10-86008718-T-C.
Other names: c.277T>C, p.Phe93Leu (NM_001012722.2); c.289T>C, p.Phe97Leu (NM_002921.4); short protein forms F97L, F93L.
Identifiers: ClinVar variation 2699130 (VCV002699130.3), dbSNP rs1157211850, ClinGen allele CA377391115.

ClinVar aggregate classification (germline): Uncertain significance (1 of 4 stars; one submission).

Allele frequency attached by ClinVar (database versions not stated): gnomAD exomes below 0.00001.
gnomAD v4.1: 1 of 1,614,122 alleles (0.000062%); highest among the groups gnomAD compares: South Asian, 0.0011%; no homozygotes.

Submission:

Labcorp Genetics (formerly Invitae), Labcorp
Classification: Uncertain significance. Last evaluated: 2023-11-25. Review status: criteria provided, single submitter. Criteria: Invitae Variant Classification Sherloc (09022015). Collection method: clinical testing. Allele origin: germline.
Comment: This sequence change replaces phenylalanine, which is neutral and non-polar, with leucine, which is neutral and non-polar, at codon 93 of the RGR protein (p.Phe93Leu). This variant is present in population databases (no rsID available, gnomAD 0.003%). This variant has not been reported in the literature in individuals affected with RGR-related conditions. Experimental studies and prediction algorithms are not available or were not evaluated, and the functional significance of this variant is currently unknown. In summary, the available evidence is currently insufficient to determine the role of this variant in disease. Therefore, it has been classified as a Variant of Uncertain Significance.